The following is an entry in ClinVar:

NM_005751.5(AKAP9):c.5554G>A (p.Ala1852Thr)

Gene: AKAP9 (A-kinase anchoring protein 9; plus strand). Cytogenetic location: 7q21.2.
Variant type: single nucleotide variant.
Coding change: c.5554G>A on transcript NM_005751.5 (MANE Select); coding-DNA position 5554, G replaced by A.
Protein change: p.Ala1852Thr; replaces alanine 1852 with threonine.
Molecular consequence: missense variant.
Genome position (GRCh38, 1-based): chr7:92,052,911, G>A. VCF-style: chr7-92052911-G-A. GRCh37 (hg19) VCF-style: chr7-91682225-G-A.
Other names: c.5554G>A, p.Ala1852Thr (NM_147185.3); short protein forms A1852T.
Identifiers: ClinVar variation 838758 (VCV000838758.11), dbSNP rs1221445886, ClinGen allele CA368131321.

ClinVar aggregate classification (germline): Uncertain significance. Review status: criteria provided, multiple submitters, no conflicts (2 of 4 stars). 2 submissions from 2 submitters: Uncertain significance (2). Last evaluated 2021-03-23.

Conditions:
Cardiovascular phenotype. Identifiers: MedGen CN230736.
Long QT syndrome (LQTS). Identifiers: MedGen C0023976, MeSH D008133, MONDO:0002442. Disease mechanism: loss of function. Inheritance: Various modes of inheritance.

Allele frequency attached by ClinVar (database versions not stated): gnomAD exomes below 0.00001 and 0.00001; gnomAD 0.00002 and 0.00003; TOPMed 0.00002.
gnomAD v4.1: 12 of 1,613,656 alleles (0.00074%); highest among the groups gnomAD compares: South Asian, 0.0022%; no homozygotes.

Submissions (2):

Labcorp Genetics (formerly Invitae), Labcorp
Classification: Uncertain significance for Long QT syndrome. Last evaluated: 2021-03-23. Review status: criteria provided, single submitter. Criteria: Invitae Variant Classification Sherloc (09022015). Collection method: clinical testing. Allele origin: germline.
Comment: In summary, the available evidence is currently insufficient to determine the role of this variant in disease. Therefore, it has been classified as a Variant of Uncertain Significance. Algorithms developed to predict the effect of missense changes on protein structure and function are either unavailable or do not agree on the potential impact of this missense change (SIFT: "Tolerated"; PolyPhen-2: "Probably Damaging"; Align-GVGD: "Class C0"). This variant has not been reported in the literature in individuals with AKAP9-related conditions. This variant is not present in population databases (ExAC no frequency). This sequence change replaces alanine with threonine at codon 1852 of the AKAP9 protein (p.Ala1852Thr). The alanine residue is moderately conserved and there is a small physicochemical difference between alanine and threonine.

Ambry Genetics
Classification: Uncertain significance for Cardiovascular phenotype. Last evaluated: 2020-01-22. Review status: criteria provided, single submitter. Criteria: Ambry Variant Classification Scheme 2023. Collection method: clinical testing. Allele origin: germline.
Comment: The p.A1852T variant (also known as c.5554G>A), located in coding exon 22 of the AKAP9 gene, results from a G to A substitution at nucleotide position 5554. The alanine at codon 1852 is replaced by threonine, an amino acid with similar properties. This amino acid position is well conserved in available vertebrate species. In addition, this alteration is predicted to be tolerated by in silico analysis. Since supporting evidence is limited at this time, the clinical significance of this alteration remains unclear.